The following is an entry in ClinVar:

ClinVar aggregate classification (germline): Conflicting classifications of pathogenicity. Review status: criteria provided, conflicting classifications (1 of 4 stars). 6 submissions from 6 submitters: Uncertain significance (5); Benign (1). Last evaluated 2025-05-24.

Conditions:
Cardiovascular phenotype. Identifiers: MedGen CN230736.
Hypercholesterolemia, autosomal dominant, type B (FHCL2). Also called: APOB-Related Familial Hypercholesterolemia, Autosomal Dominant; Familial Hypercholesterolemia Type B; APOLIPOPROTEIN B-100, FAMILIAL DEFECTIVE; APOLIPOPROTEIN B-100, FAMILIAL LIGAND-DEFECTIVE; Hyperlipoproteinemia Type IIb; Familial hypercholesterolemia 2. Identifiers: MedGen C1704417, MONDO:0007751, OMIM 144010.
Familial hypobetalipoproteinemia 1. Also called: APOB-Related Familial Hypobetalipoproteinemia; Hypobetalipoproteinemia, normotriglyceridemic; Acanthocytosis with hypobetalipoproteinemia. Identifiers: MedGen C4551990, MONDO:0014252, OMIM 615558.
Hypercholesterolemia, familial, 1. Also called: LDL RECEPTOR DISORDER; Hyperlipoproteinemia Type IIa; HYPER-LOW-DENSITY-LIPOPROTEINEMIA; HYPERCHOLESTEROLEMIC XANTHOMATOSIS, FAMILIAL; Fredrickson type IIa hyperlipoproteinemia; Hyperlipoproteinemia type 2. Identifiers: Orphanet 391665, MedGen C0745103, MONDO:0007750, OMIM 143890.

Allele frequency attached by ClinVar (database versions not stated): ExAC 0.00003; gnomAD exomes 0.00003; TOPMed 0.00011; ESP Exome Variant Server 0.00015; gnomAD 0.00015.
gnomAD v4.1: 65 of 1,614,024 alleles (0.004%); highest among the groups gnomAD compares: African/African-American, 0.025%; no homozygotes.

Submissions (6):

Ambry Genetics
Classification: Uncertain significance for Cardiovascular phenotype. Last evaluated: 2025-05-24. Review status: criteria provided, single submitter. Criteria: Ambry Variant Classification Scheme 2023. Collection method: clinical testing. Allele origin: germline.
Comment: The p.R1284W variant (also known as c.3850C>T), located in coding exon 25 of the APOB gene, results from a C to T substitution at nucleotide position 3850. The arginine at codon 1284 is replaced by tryptophan, an amino acid with dissimilar properties. This amino acid position is not well conserved in available vertebrate species. In addition, the in silico prediction for this alteration is inconclusive. Since supporting evidence is limited at this time, the clinical significance of this alteration remains unclear.

Labcorp Genetics (formerly Invitae), Labcorp
Classification: Benign for Familial hypobetalipoproteinemia 1; Hypercholesterolemia, autosomal dominant, type B. Last evaluated: 2025-02-26. Review status: criteria provided, single submitter. Criteria: Invitae Variant Classification Sherloc (09022015). Collection method: clinical testing. Allele origin: germline.

GeneDx
Classification: Uncertain significance. Last evaluated: 2024-11-25. Review status: criteria provided, single submitter. Criteria: GeneDx Variant Classification Process June 2021. Collection method: clinical testing. Allele origin: germline. Affected: yes.
Comment: In silico analysis supports that this missense variant has a deleterious effect on protein structure/function; Has not been previously published as pathogenic or benign to our knowledge

Fulgent Genetics
Classification: Uncertain significance for Hypercholesterolemia, autosomal dominant, type B; Familial hypobetalipoproteinemia 1. Last evaluated: 2021-11-01. Review status: criteria provided, single submitter. Criteria: ACMG Guidelines, 2015. Collection method: clinical testing. Allele origin: unknown.

Victorian Clinical Genetics Services, Murdoch Childrens Research Institute
Classification: Uncertain significance for Hypercholesterolemia, autosomal dominant, type B. Last evaluated: 2021-05-06. Review status: criteria provided, single submitter. Criteria: ACMG Guidelines, 2015. Collection method: clinical testing. Allele origin: germline. Inheritance: Autosomal dominant inheritance. Affected: yes.
Comment: Based on the classification scheme VCGS_Germline_v1.3.4, this variant is classified as VUS-3A. Following criteria are met: 0102 - Loss of function is a known mechanism of disease in this gene and is associated with familial hypercholesterolemia 2 (MIM#144010). (I) 0108 - This gene is associated with both recessive and dominant disease. Familial hypercholesterolemia 2 (MIM#144010) is inherited in an autosomal dominant manner, whereas hypobetalipoproteinemia (MIM#615558) is recessive (OMIM). (I) 0112 - The condition associated with this gene has incomplete penetrance (GeneReviews). (I) 0200 - Variant is predicted to result in a missense amino acid change from arginine to tryptophan. (I) 0251 - This variant is heterozygous. (I) 0302 - Variant is present in gnomAD (v3) <0.001 for a dominant condition (22 heterozygotes, 0 homozygotes). (SP) 0309 - Alternative amino acid changes at the same position have been observed in gnomAD (v2 & v3) (5 heterozygotes, 0 homozygotes). (I) 0501 - Missense variant consistently predicted to be damaging by multiple in silico tools or highly conserved with a major amino acid change. (SP) 0604 - Variant is not located in an established domain, motif, hotspot or informative constraint region. (I) 0710 - Another missense variant comparable to the one identified in this case has inconclusive previous evidence for pathogenicity. An alternative change to glutamine at the same residue has previously been reported as a VUS (ClinVar). (I) 0809 - Previous evidence of pathogenicity for this variant is inconclusive. The variant has previously been reported as a VUS and has been observed in an unaffected control (ClinVar, PMID: 30420299). (I) 0905 - No published segregation evidence has been identified for this variant. (I) 1007 - No published functional evidence has been identified for this variant. (I) 1102 - Strong phenotype match for this individual. (SP) 1208 - Inheritance information for this variant is not currently available in this individual. (I) Legend: (SP) - Supporting pathogenic, (I) - Information, (SB) - Supporting benign

Laboratory of Genetics and Molecular Cardiology, University of São Paulo
Classification: Uncertain significance for Familial hypercholesterolemia. Last evaluated: 2016-03-01. Review status: criteria provided, single submitter. Criteria: ACMG Guidelines, 2015. Collection method: research. Allele origin: germline. Study: HipercolBrasil.

Literature cited by the submitters: PubMed 30420299 (cited by Victorian Clinical Genetics Services, Murdoch Childrens Research Institute).

NM_000384.3(APOB):c.3850C>T (p.Arg1284Trp)

Gene: APOB (apolipoprotein B; minus strand). Cytogenetic location: 2p24.1.
Variant type: single nucleotide variant.
Coding change: c.3850C>T on transcript NM_000384.3 (MANE Select); coding-DNA position 3850, C replaced by T.
Protein change: p.Arg1284Trp; replaces arginine 1284 with tryptophan.
Molecular consequence: missense variant.
Genome position (GRCh38, 1-based): chr2:21,013,526, G>A on the plus strand (C>T on the coding strand, the complement: APOB is on the minus strand). VCF-style: chr2-21013526-G-A. GRCh37 (hg19) VCF-style: chr2-21236398-G-A.
Other names: short protein forms R1284W.
Identifiers: ClinVar variation 431496 (VCV000431496.13), dbSNP rs376768346, ClinGen allele CA060040.